The following is an entry in ClinVar:

NM_000719.7(CACNA1C):c.3764A>G (p.Asn1255Ser)

Gene: CACNA1C (calcium voltage-gated channel subunit alpha1 C; plus strand). Cytogenetic location: 12p13.33.
Variant type: single nucleotide variant.
Coding change: c.3764A>G on transcript NM_000719.7 (MANE Select); coding-DNA position 3764, A replaced by G.
Protein change: p.Asn1255Ser; replaces asparagine 1255 with serine.
Molecular consequence: missense variant.
Genome position (GRCh38, 1-based): chr12:2,611,949, A>G. VCF-style: chr12-2611949-A-G. GRCh37 (hg19) VCF-style: chr12-2721115-A-G.
Other names: c.3824A>G, p.Asn1275Ser (NM_001129827.2, NM_001129832.2, NM_199460.4); c.3764A>G, p.Asn1255Ser (NM_001129829.2, NM_001129830.3, NM_001129831.2 and 15 more transcripts); c.3755A>G, p.Asn1252Ser (NM_001129844.2); short protein forms N1255S, N1275S, N1252S.
Identifiers: ClinVar variation 1043685 (VCV001043685.9), dbSNP rs2078031779, ClinGen allele CA383377236.

ClinVar aggregate classification (germline): Uncertain significance (1 of 4 stars; one submission).

Conditions:
Long QT syndrome (LQTS). Identifiers: MedGen C0023976, MeSH D008133, MONDO:0002442. Disease mechanism: loss of function. Inheritance: Various modes of inheritance.

Allele frequency attached by ClinVar (database versions not stated): gnomAD 0.00001.
gnomAD v4.1: 1 of 1,613,664 alleles (0.000062%); highest among the groups gnomAD compares: Admixed American, 0.0017%; no homozygotes.

Submission:

Labcorp Genetics (formerly Invitae), Labcorp
Classification: Uncertain significance for Long QT syndrome. Last evaluated: 2020-09-29. Review status: criteria provided, single submitter. Criteria: Invitae Variant Classification Sherloc (09022015). Collection method: clinical testing. Allele origin: germline.
Comment: Algorithms developed to predict the effect of sequence changes on RNA splicing suggest that this variant may create or strengthen a splice site, but this prediction has not been confirmed by published transcriptional studies. Algorithms developed to predict the effect of missense changes on protein structure and function are either unavailable or do not agree on the potential impact of this missense change (SIFT: "Deleterious"; PolyPhen-2: "Probably Damaging"; Align-GVGD: "Class C0"). This variant has not been reported in the literature in individuals with CACNA1C-related conditions. This variant is not present in population databases (ExAC no frequency). This sequence change replaces asparagine with serine at codon 1255 of the CACNA1C protein (p.Asn1255Ser). The asparagine residue is highly conserved and there is a small physicochemical difference between asparagine and serine. In summary, the available evidence is currently insufficient to determine the role of this variant in disease. Therefore, it has been classified as a Variant of Uncertain Significance.